The following is an entry in ClinVar:

NM_002180.3(IGHMBP2):c.1497del (p.Phe499fs)

Gene: IGHMBP2 (immunoglobulin mu DNA binding protein 2; plus strand). Cytogenetic location: 11q13.3.
Variant type: Deletion.
Coding change: c.1497del on transcript NM_002180.3 (MANE Select); coding-DNA position 1497, one base deleted (T; older notation c.1497delT).
Protein change: p.Phe499fs; shifts the reading frame from phenylalanine 499.
Molecular consequence: frameshift variant.
Genome position (GRCh38, 1-based): chr11:68,933,873, T deleted; the last of 3 consecutive T bases (chr11:68,933,871-68,933,873); deleting any one gives the same sequence. VCF-style (leftmost placement, unchanged base first): chr11-68933870-GT-G. GRCh37 (hg19) VCF-style: chr11-68701338-GT-G.
Other names: c.1497delT, p.Phe499Leufs (NM_002180.2); short protein forms F499fs.
Identifiers: ClinVar variation 4795861 (VCV004795861.1).

ClinVar aggregate classification (germline): Likely pathogenic (1 of 4 stars; one submission).

Conditions:
Autosomal recessive distal spinal muscular atrophy 1. Also called: SEVERE INFANTILE AXONAL NEUROPATHY WITH RESPIRATORY FAILURE; SPINAL MUSCULAR ATROPHY, DIAPHRAGMATIC; HMN VI; NEURONOPATHY, SEVERE INFANTILE AXONAL, WITH RESPIRATORY FAILURE; Spinal muscular atrophy with respiratory distress 1; NEURONOPATHY, DISTAL HEREDITARY MOTOR, HARDING TYPE VI. Identifiers: Orphanet 98920, MedGen C1858517, MONDO:0011436, OMIM 604320.

Submission:

Genetic Diseases Diagnostic Center, Koc University Hospital
Classification: Likely pathogenic for Autosomal recessive distal spinal muscular atrophy 1. Last evaluated: 2026-01-31. Review status: criteria provided, single submitter. Criteria: ACMG Guidelines, 2015. Collection method: clinical testing. Allele origin: biparental. Inheritance: Autosomal recessive inheritance. Affected: yes.
Comment: This variant creates a shift in the reading frame starting at codon 499. The new reading frame ends in a stop codon 76 positions downstream. According to HGMD Professional 2020.3, loss of function (LoF) is the known disease mechanism for this gene. Downstream of this variant, many LoF disease causing variants were described. This variant has not been reported in gnomAD population database. Thus, it is classified as likely pathogenic (PVS1, PM2) according to the ACMG/AMP criteria.